The following is an entry in ClinVar:

ClinVar aggregate classification (germline): Uncertain significance. Review status: criteria provided, multiple submitters, no conflicts (2 of 4 stars). 2 submissions from 2 submitters: Uncertain significance (2). Last evaluated 2025-08-22.

Conditions:
Inborn genetic diseases. Identifiers: MedGen C0950123, MeSH D030342.

gnomAD v4.1: 2 of 1,614,210 alleles (0.00012%); highest among the groups gnomAD compares: Admixed American, 0.0033%; no homozygotes.

Submissions (2):

Ambry Genetics
Classification: Uncertain significance for Inborn genetic diseases. Last evaluated: 2025-08-22. Review status: criteria provided, single submitter. Criteria: Ambry Variant Classification Scheme 2023. Collection method: clinical testing. Allele origin: germline.

Labcorp Genetics (formerly Invitae), Labcorp
Classification: Uncertain significance. Last evaluated: 2023-06-16. Review status: criteria provided, single submitter. Criteria: Invitae Variant Classification Sherloc (09022015). Collection method: clinical testing. Allele origin: germline.
Comment: This sequence change replaces serine, which is neutral and polar, with phenylalanine, which is neutral and non-polar, at codon 245 of the CD40 protein (p.Ser245Phe). This variant is present in population databases (no rsID available, gnomAD 0.003%). In summary, the available evidence is currently insufficient to determine the role of this variant in disease. Therefore, it has been classified as a Variant of Uncertain Significance. An algorithm developed to predict the effect of missense changes on protein structure and function (PolyPhen-2) suggests that this variant¬†is likely to be tolerated. This variant has not been reported in the literature in individuals affected with CD40-related conditions.

NM_001250.6(CD40):c.734C>T (p.Ser245Phe)

Gene: CD40 (CD40 molecule; plus strand). Cytogenetic location: 20q13.12.
Variant type: single nucleotide variant.
Coding change: c.734C>T on transcript NM_001250.6 (MANE Select); coding-DNA position 734, C replaced by T.
Protein change: p.Ser245Phe; replaces serine 245 with phenylalanine.
Molecular consequence: missense variant. On other transcripts: 3 prime UTR variant (3), non-coding transcript variant (2).
Genome position (GRCh38, 1-based): chr20:46,128,940, C>T. VCF-style: chr20-46128940-C-T. GRCh37 (hg19) VCF-style: chr20-44757579-C-T.
Other names: c.*60C>T (NM_001302753.2, NM_001362758.2, NM_152854.4); c.746C>T, p.Ser249Phe (NM_001322421.2); c.578C>T, p.Ser193Phe (NM_001322422.2); c.590C>T, p.Ser197Phe (NM_001424339.1); short protein forms S193F, S197F, S245F, S249F.
Identifiers: ClinVar variation 2723480 (VCV002723480.2), dbSNP rs903736094, ClinGen allele CA315654836.